The following is an entry in ClinVar:

NM_003361.4(UMOD):c.610C>T (p.Arg204Cys)

Gene: UMOD (uromodulin; minus strand). Cytogenetic location: 16p12.3.
Variant type: single nucleotide variant.
Coding change: c.610C>T on transcript NM_003361.4 (MANE Select); coding-DNA position 610, C replaced by T.
Protein change: p.Arg204Cys; replaces arginine 204 with cysteine.
Molecular consequence: missense variant. On other transcripts: non-coding transcript variant (1).
Genome position (GRCh38, 1-based): chr16:20,348,691, G>A on the plus strand (C>T on the coding strand, the complement: UMOD is on the minus strand). VCF-style: chr16-20348691-G-A. GRCh37 (hg19) VCF-style: chr16-20360013-G-A.
Other names: c.610C>T, p.Arg204Cys (NM_001008389.3, NM_001378232.1, NM_001378233.1 and 3 more transcripts); c.709C>T, p.Arg237Cys (NM_001278614.2); short protein forms R204C, R237C.
Identifiers: ClinVar variation 2692335 (VCV002692335.2), dbSNP rs1567310019, ClinGen allele CA394985328.
Genomic context (GRCh38, chr16:20,348,691, plus strand): 5'-TGCAGCGCAGGACTGGCACGCAGGTCTCGGCCATGCGCGCACCGCCCTGGCCCACGAAGC[G>A]GTACCAGCCGCGCAGGTCCGTGTCGCAGGCGTAGCCCTCCCCGTACTCGGTGCTGCGCCA-3'
Protein context (NP_003352.2, residues 194-214): ACDTDLRGWY[Arg204Cys]FVGQGGARMA

ClinVar aggregate classification (germline): Conflicting classifications of pathogenicity. Review status: criteria provided, conflicting classifications (1 of 4 stars). 2 submissions from 2 submitters: Likely pathogenic (1); Uncertain significance (1). Last evaluated 2026-03-28.

Conditions:
Familial juvenile hyperuricemic nephropathy type 1 (ADTKD1). Also called: Glomerulocystic kidney disease with hyperuricemia and isosthenuria; Medullary cystic kidney disease 2; Autosomal Dominant Tubulointerstitial Kidney Disease – UMOD; UMOD-Associated Kidney Disease; Uromodulin-associated kidney disease. Identifiers: Orphanet 209886, Orphanet 34149, Orphanet 88950, MedGen C4551496, MONDO:0008073, OMIM 162000.

gnomAD v4.1: 1 of 1,553,366 alleles (0.000064%); highest among the groups gnomAD compares: Non-Finnish European, 0.000087%; no homozygotes.

Submissions (2):

Kasturba Medical College, Manipal, Kasturba Medical College, Manipal, Manipal Academy of Higher Education, Manipal, India
Classification: Uncertain significance for Familial juvenile hyperuricemic nephropathy type 1. Last evaluated: 2026-03-28. Review status: criteria provided, single submitter. Criteria: ACMG Guidelines, 2015. Collection method: research. Allele origin: paternal. Inheritance: Autosomal dominant inheritance. Affected: yes. Observed: 1 variant allele, 1 heterozygote.
Comment: This variant is present in heterozygous state in one individual and absent in homozygous state in gnomAD (v4.1.0) population database. This variant is absent in our in-house data of 4063 exomes. In-silico analysis tools (REVEL and CADD_phred) predict the variant to be damaging to the UMOD protein function. This variant is reported in ClinVar as likely pathogenic by one submitter (ClinVar accession ID: VCV002692335.1).

MVZ Medizinische Genetik Mainz
Classification: Likely pathogenic for Familial juvenile hyperuricemic nephropathy type 1. Last evaluated: 2023-06-06. Review status: criteria provided, single submitter. Criteria: UK Practice Guidelines For Variant Classification V4 01 2020. Collection method: clinical testing. Allele origin: germline. Inheritance: Autosomal dominant inheritance. Affected: yes. Observed: 1 variant allele.